The following is an entry in ClinVar:

NM_000883.4(IMPDH1):c.389T>G (p.Ile130Arg)

Gene: IMPDH1 (inosine monophosphate dehydrogenase 1; minus strand). Cytogenetic location: 7q32.1.
Variant type: single nucleotide variant.
Coding change: c.389T>G on transcript NM_000883.4 (MANE Select); coding-DNA position 389, T replaced by G.
Protein change: p.Ile130Arg; replaces isoleucine 130 with arginine.
Molecular consequence: missense variant.
Genome position (GRCh38, 1-based): chr7:128,403,719, A>C on the plus strand (T>G on the coding strand, the complement: IMPDH1 is on the minus strand). VCF-style: chr7-128403719-A-C. GRCh37 (hg19) VCF-style: chr7-128043773-A-C.
Other names: c.359T>G, p.Ile120Arg (NM_001102605.2); c.134T>G, p.Ile45Arg (NM_001142573.2, NM_001142574.2, NM_001142575.2); c.290T>G, p.Ile97Arg (NM_001142576.2); c.182T>G, p.Ile61Arg (NM_001304521.2); c.281T>G, p.Ile94Arg (NM_183243.3); c.389T>G (NM_000883.3); short protein forms I120R, I94R, I45R, I61R, I97R, I130R.
Identifiers: ClinVar variation 1416912 (VCV001416912.9), dbSNP rs748340852, ClinGen allele CA4471187.
Genomic context (GRCh38, chr7:128,403,719, plus strand): 5'-CACCACATACACAGCCCCCTCCCCTTGTCAAAGGAAGAGGTACTCACCACCTCATCAGCT[A>C]TGAAGTCTATGAATCCTGGGAGAATCAGGAAGTCGCTGTGAAGACAGAGAAGTGAGTGTT-3'
Protein context (NP_000874.2, residues 120-140): FLILPGFIDF[Ile130Arg]ADEVDLTSAL

ClinVar aggregate classification (germline): Uncertain significance. Review status: criteria provided, multiple submitters, no conflicts (2 of 4 stars). 2 submissions from 2 submitters: Uncertain significance (2). Last evaluated 2025-04-25.

Conditions:
IMPDH1-related disorder. Also called: IMPDH1-related disorders; IMPDH1-related condition.

Allele frequency attached by ClinVar (database versions not stated): TOPMed below 0.00001; ExAC 0.00001; gnomAD 0.00001; gnomAD exomes 0.00001.
gnomAD v4.1: 11 of 1,613,834 alleles (0.00068%); highest among the groups gnomAD compares: Non-Finnish European, 0.00093%; no homozygotes.

Submissions (2):

PreventionGenetics, part of Exact Sciences
Classification: Uncertain significance for IMPDH1-related condition. Last evaluated: 2025-04-25. Review status: criteria provided, single submitter. Criteria: ACMG Guidelines, 2015. Collection method: clinical testing. Allele origin: germline.
Comment: The IMPDH1 c.389T>G variant is predicted to result in the amino acid substitution p.Ile130Arg. To our knowledge, this variant has not been reported in the literature. This variant is present in 0.0018% of alleles in individuals of European (Non-Finnish) descent in gnomAD. At this time, the clinical significance of this variant is uncertain due to the absence of conclusive functional and genetic evidence.

Labcorp Genetics (formerly Invitae), Labcorp
Classification: Uncertain significance. Last evaluated: 2022-11-15. Review status: criteria provided, single submitter. Criteria: Invitae Variant Classification Sherloc (09022015). Collection method: clinical testing. Allele origin: germline.
Comment: This variant has not been reported in the literature in individuals affected with IMPDH1-related conditions. This variant is present in population databases (rs748340852, gnomAD 0.002%). This sequence change replaces isoleucine, which is neutral and non-polar, with arginine, which is basic and polar, at codon 130 of the IMPDH1 protein (p.Ile130Arg). ClinVar contains an entry for this variant (Variation ID: 1416912). In summary, the available evidence is currently insufficient to determine the role of this variant in disease. Therefore, it has been classified as a Variant of Uncertain Significance. Algorithms developed to predict the effect of missense changes on protein structure and function (SIFT, PolyPhen-2, Align-GVGD) all suggest that this variant is likely to be tolerated.